The following is an entry in ClinVar:

ClinVar aggregate classification (germline): Uncertain significance (1 of 4 stars; one submission).

Submission:

Quest Diagnostics Nichols Institute San Juan Capistrano
Classification: Uncertain significance. Last evaluated: 2025-07-20. Review status: criteria provided, single submitter. Criteria: Quest Diagnostics criteria. Collection method: clinical testing. Allele origin: unknown.
Comment: The XRCC2 c.558C>T (p.Asp186=) synonymous variant has not been reported in individuals with XRCC2-related conditions in the published literature. It also has not been reported in large, multi-ethnic general populations (Genome Aggregation Database). Analysis of this variant using software algorithms for the prediction of the effect of nucleotide changes on splicing yielded predictions that this variant does not affect XRCC2 mRNA splicing. Based on the available information, we are unable to determine the clinical significance of this variant.

NM_005431.2(XRCC2):c.558C>T (p.Asp186=)

Gene: XRCC2 (X-ray repair cross complementing 2; minus strand). Cytogenetic location: 7q36.1.
Variant type: single nucleotide variant.
Coding change: c.558C>T on transcript NM_005431.2 (MANE Select); coding-DNA position 558, C replaced by T.
Protein change: p.Asp186=; no amino-acid change (aspartic acid 186 retained).
Molecular consequence: synonymous variant.
Genome position (GRCh38, 1-based): chr7:152,648,927, G>A on the plus strand (C>T on the coding strand, the complement: XRCC2 is on the minus strand). VCF-style: chr7-152648927-G-A. GRCh37 (hg19) VCF-style: chr7-152346012-G-A.
Identifiers: ClinVar variation 4533084 (VCV004533084.1).